The following is an entry in ClinVar:

NM_001040108.2(MLH3):c.4174C>T (p.Gln1392Ter)

Gene: MLH3 (mutL homolog 3; minus strand). Cytogenetic location: 14q24.3.
Variant type: single nucleotide variant.
Coding change: c.4174C>T on transcript NM_001040108.2 (MANE Select); coding-DNA position 4174, C replaced by T.
Protein change: p.Gln1392Ter; replaces glutamine 1392 with a stop codon.
Molecular consequence: nonsense.
Genome position (GRCh38, 1-based): chr14:75,018,897, G>A on the plus strand (C>T on the coding strand, the complement: MLH3 is on the minus strand). VCF-style: chr14-75018897-G-A. GRCh37 (hg19) VCF-style: chr14-75485600-G-A.
Other names: c.4102C>T, p.Gln1368Ter (NM_014381.3); short protein forms Q1368*, Q1392*.
Identifiers: ClinVar variation 1738439 (VCV001738439.3), dbSNP rs1247181399, ClinGen allele CA390418932.

ClinVar aggregate classification (germline): Pathogenic (1 of 4 stars; one submission).

Allele frequency attached by ClinVar (database versions not stated): gnomAD exomes below 0.00001.
gnomAD v4.1: 1 of 1,614,164 alleles (0.000062%); highest among the groups gnomAD compares: Non-Finnish European, 0.000085%; no homozygotes.

Submission:

Ambry Genetics
Classification: Pathogenic. Last evaluated: 2026-06-01. Review status: criteria provided, single submitter. Criteria: Ambry Variant Classification Scheme 2023. Collection method: clinical testing. Allele origin: germline.
Comment: The p.Q1392* pathogenic mutation (also known as c.4174C>T), located in coding exon 11 of the MLH3 gene, results from a C to T substitution at nucleotide position 4174. This changes the amino acid from a glutamine to a stop codon within coding exon 11. This variant is considered to be rare based on population cohorts in the Genome Aggregation Database (gnomAD). This alteration is expected to result in loss of function by premature protein truncation or nonsense-mediated mRNA decay. As such, this alteration is interpreted as a disease-causing mutation.